The following is an entry in ClinVar:

ClinVar aggregate classification (germline): Uncertain significance (1 of 4 stars; one submission).

Conditions:
Charcot-Marie-Tooth disease dominant intermediate F. Identifiers: Orphanet 352670, MedGen C4749463, MONDO:0014074, OMIM 615185.

gnomAD v4.1: 6 of 1,609,360 alleles (0.00037%); highest among the groups gnomAD compares: Non-Finnish European, 0.00051%; no homozygotes.

Submission:

Labcorp Genetics (formerly Invitae), Labcorp
Classification: Uncertain significance for Charcot-Marie-Tooth disease dominant intermediate F. Last evaluated: 2024-05-29. Review status: criteria provided, single submitter. Criteria: Invitae Variant Classification Sherloc (09022015). Collection method: clinical testing. Allele origin: germline.
Comment: This sequence change replaces asparagine, which is neutral and polar, with serine, which is neutral and polar, at codon 237 of the GNB4 protein (p.Asn237Ser). This variant is present in population databases (no rsID available, gnomAD 0.0009%). This variant has not been reported in the literature in individuals affected with GNB4-related conditions. Advanced modeling of protein sequence and biophysical properties (such as structural, functional, and spatial information, amino acid conservation, physicochemical variation, residue mobility, and thermodynamic stability) performed at Invitae indicates that this missense variant is not expected to disrupt GNB4 protein function with a negative predictive value of 80%. In summary, the available evidence is currently insufficient to determine the role of this variant in disease. Therefore, it has been classified as a Variant of Uncertain Significance.

NM_021629.4(GNB4):c.710A>G (p.Asn237Ser)

Gene: GNB4 (G protein subunit beta 4; minus strand). Cytogenetic location: 3q26.33.
Variant type: single nucleotide variant.
Coding change: c.710A>G on transcript NM_021629.4 (MANE Select); coding-DNA position 710, A replaced by G.
Protein change: p.Asn237Ser; replaces asparagine 237 with serine.
Molecular consequence: missense variant.
Genome position (GRCh38, 1-based): chr3:179,405,396, T>C on the plus strand (A>G on the coding strand, the complement: GNB4 is on the minus strand). VCF-style: chr3-179405396-T-C. GRCh37 (hg19) VCF-style: chr3-179123184-T-C.
Other names: short protein forms N237S.
Identifiers: ClinVar variation 3707528 (VCV003707528.2).
Genomic context (GRCh38, chr3:179,405,396, plus strand): 5'-GCACGAAGGTCAAAGAGCCGGCAAGTGGCATCATCAGAGCCAGTGGCGAAGGCATATCCA[T>C]TTGGGAAAAACTAGACAGGAAAGTAACAAACATTTATTCTACAGATGTATGCACAATCAT-3'
Protein context (NP_067642.1, residues 227-247): SDINAVSFFP[Asn237Ser]GYAFATGSDD